The following is an entry in ClinVar:

ClinVar aggregate classification (germline): Uncertain significance (1 of 4 stars; one submission).

Submission:

CeGaT Center for Human Genetics Tuebingen
Classification: Uncertain significance. Last evaluated: 2026-03-01. Review status: criteria provided, single submitter. Criteria: CeGaT Center For Human Genetics Tuebingen Variant Classification Criteria Version 2. Collection method: clinical testing. Allele origin: germline. Affected: yes. Observed: 1 variant allele.
Comment: AP5Z1: PM2, BP4

NM_014855.3(AP5Z1):c.1789G>C (p.Ala597Pro)

Gene: AP5Z1 (adaptor related protein complex 5 subunit zeta 1; plus strand). Cytogenetic location: 7p22.1.
Variant type: single nucleotide variant.
Coding change: c.1789G>C on transcript NM_014855.3 (MANE Select); coding-DNA position 1789, G replaced by C.
Protein change: p.Ala597Pro; replaces alanine 597 with proline.
Molecular consequence: missense variant. On other transcripts: non-coding transcript variant (1).
Genome position (GRCh38, 1-based): chr7:4,789,913, G>C. VCF-style: chr7-4789913-G-C. GRCh37 (hg19) VCF-style: chr7-4829544-G-C.
Other names: c.1321G>C, p.Ala441Pro (NM_001364858.1); short protein forms A441P, A597P.
Identifiers: ClinVar variation 4823627 (VCV004823627.4).